The following is an entry in ClinVar:

NM_001166108.2(PALLD):c.2867C>A (p.Thr956Asn)

Genes: CBR4 (carbonyl reductase 4; minus strand), PALLD (palladin, cytoskeletal associated protein; plus strand). Cytogenetic location: 4q32.3.
Variant type: single nucleotide variant.
Coding change: c.2867C>A on transcript NM_001166108.2 (MANE Select); coding-DNA position 2867, C replaced by A.
Protein change: p.Thr956Asn; replaces threonine 956 with asparagine.
Molecular consequence: missense variant.
Genome position (GRCh38, 1-based): chr4:168,921,550, C>A. VCF-style: chr4-168921550-C-A. GRCh37 (hg19) VCF-style: chr4-169842701-C-A.
Other names: c.1670C>A, p.Thr557Asn (NM_001166109.2); c.1355C>A, p.Thr452Asn (NM_001166110.2); c.695C>A, p.Thr232Asn (NM_001367567.1, NM_001367569.1); c.746C>A, p.Thr249Asn (NM_001367568.1, NM_001367570.1); c.2816C>A, p.Thr939Asn (NM_016081.4); short protein forms T452N, T232N, T939N, T956N, T249N, T557N.
Identifiers: ClinVar variation 1796379 (VCV001796379.2), dbSNP rs371498362, ClinGen allele CA358708298.

ClinVar aggregate classification (germline): Uncertain significance (1 of 4 stars; one submission).

Submission:

Ambry Genetics
Classification: Uncertain significance. Last evaluated: 2021-10-07. Review status: criteria provided, single submitter. Criteria: Ambry Variant Classification Scheme 2023. Collection method: clinical testing. Allele origin: germline.
Comment: The p.T939N variant (also known as c.2816C>A), located in coding exon 16 of the PALLD gene, results from a C to A substitution at nucleotide position 2816. The threonine at codon 939 is replaced by asparagine, an amino acid with similar properties. This amino acid position is conserved. In addition, this alteration is predicted to be tolerated by in silico analysis. Since supporting evidence is limited at this time, the clinical significance of this alteration remains unclear.